The following is an entry in ClinVar:

ClinVar aggregate classification (germline): Pathogenic (1 of 4 stars; one submission).

Submission:

Labcorp Genetics (formerly Invitae), Labcorp
Classification: Pathogenic. Last evaluated: 2022-11-23. Review status: criteria provided, single submitter. Criteria: Invitae Variant Classification Sherloc (09022015). Collection method: clinical testing. Allele origin: germline.
Comment: This variant has not been reported in the literature in individuals affected with FH-related conditions. This variant is not present in population databases (gnomAD no frequency). This sequence change creates a premature translational stop signal (p.Glu495Valfs*2) in the FH gene. While this is not anticipated to result in nonsense mediated decay, it is expected to disrupt the last 16 amino acid(s) of the FH protein. ClinVar contains an entry for this variant (Variation ID: 405937). For these reasons, this variant has been classified as Pathogenic. This variant disrupts a region of the FH protein in which other variant(s) (p.Trp500*) have been determined to be pathogenic (PMID: 9635293, 21398687). This suggests that this is a clinically significant region of the protein, and that variants that disrupt it are likely to be disease-causing.

Literature cited by the submitters: PubMed 9635293; PubMed 21398687.

NM_000143.4(FH):c.1484_1488del (p.Glu495fs)

Gene: FH (fumarate hydratase; minus strand). Cytogenetic location: 1q43.
Variant type: Microsatellite.
Coding change: c.1484_1488del on transcript NM_000143.4 (MANE Select); coding-DNA positions 1484 to 1488, 5 bases deleted (AGCAG; older notation c.1484_1488delAGCAG).
Protein change: p.Glu495fs; shifts the reading frame from glutamic acid 495.
Molecular consequence: frameshift variant.
Genome position (GRCh38, 1-based): chr1:241,497,873-241,497,877, CTGCT deleted on the plus strand (AGCAG on the coding strand, the reverse complement: FH is on the minus strand); deleting any 5 consecutive bases within chr1:241,497,873-241,497,882 gives the same sequence; the c. name uses the placement nearest the transcript's 3' end. VCF-style (leftmost placement, unchanged base first): chr1-241497872-ACTGCT-A. GRCh37 (hg19) VCF-style: chr1-241661172-ACTGCT-A.
Other names: c.1484_1488delAGCAG (NM_000143.3); short protein forms E495fs.
Identifiers: ClinVar variation 405937 (VCV000405937.9), dbSNP rs1060500907, ClinGen allele CA16610096.